The following is an entry in ClinVar:

ClinVar aggregate classification (germline): Conflicting classifications of pathogenicity. Review status: criteria provided, conflicting classifications (1 of 4 stars). 7 submissions from 7 submitters: Uncertain significance (6); Likely benign (1). Last evaluated 2026-04-02.

Conditions:
Cardiovascular phenotype. Identifiers: MedGen CN230736.
Long QT syndrome (LQTS). Identifiers: MedGen C0023976, MeSH D008133, MONDO:0002442. Disease mechanism: loss of function. Inheritance: Various modes of inheritance.
Long QT syndrome 12 (LQT12). Identifiers: Orphanet 101016, Orphanet 768, MedGen C2751830, MONDO:0013062, OMIM 612955.

Allele frequency attached by ClinVar (database versions not stated): gnomAD exomes 0.00010 and 0.00022; ExAC 0.00012; gnomAD 0.00014; TOPMed 0.00015.
gnomAD v4.1: 312 of 1,498,186 alleles (0.021%); highest among the groups gnomAD compares: Non-Finnish European, 0.026%; no homozygotes.

Submissions (7):

Women's Health and Genetics/Laboratory Corporation of America, LabCorp
Classification: Uncertain significance. Last evaluated: 2026-04-02. Review status: criteria provided, single submitter. Criteria: LabCorp Variant Classification Summary - May 2015. Collection method: clinical testing. Allele origin: germline.
Comment: Variant summary: SNTA1 c.287G>C (p.Gly96Ala) results in a non-conservative amino acid change located in the Pleckstrin homology domain and PDZ domain of the encoded protein sequence. Algorithms developed to predict the effect of missense changes on protein structure and function are either unavailable or do not agree on the potential impact of this missense change. The variant allele was found at a frequency of 9.6e-05 in 114762 control chromosomes. The observed variant frequency exceeds the estimated maximal expected allele frequency for disease-causing variants in SNTA1. c.287G>C has been observed in an individual affected with Arrhythmia along with a causitive LMNA variant (Holbert_2020). This report does not provide unequivocal conclusions about association of the variant with Arrhythmia. To our knowledge, no experimental evidence demonstrating an impact on protein function has been reported. The following publication has been ascertained in the context of this evaluation (PMID: 33070394). ClinVar contains an entry for this variant (Variation ID: 190907). Based on the evidence outlined above, the variant was classified as VUS-possibly benign.

Labcorp Genetics (formerly Invitae), Labcorp
Classification: Uncertain significance for Long QT syndrome. Last evaluated: 2026-01-25. Review status: criteria provided, single submitter. Criteria: Invitae Variant Classification Sherloc (09022015). Collection method: clinical testing. Allele origin: germline.
Comment: This sequence change replaces glycine, which is neutral and non-polar, with alanine, which is neutral and non-polar, at codon 96 of the SNTA1 protein (p.Gly96Ala). This variant is present in population databases (rs766925398, gnomAD 0.02%). This variant has not been reported in the literature in individuals affected with SNTA1-related conditions. ClinVar contains an entry for this variant (Variation ID: 190907). Invitae Evidence Modeling of protein sequence and biophysical properties (such as structural, functional, and spatial information, amino acid conservation, physicochemical variation, residue mobility, and thermodynamic stability) indicates that this missense variant is not expected to disrupt SNTA1 protein function with a negative predictive value of 80%. In summary, the available evidence is currently insufficient to determine the role of this variant in disease. Therefore, it has been classified as a Variant of Uncertain Significance.

GeneDx
Classification: Uncertain significance. Last evaluated: 2024-03-19. Review status: criteria provided, single submitter. Criteria: GeneDx Variant Classification Process June 2021. Collection method: clinical testing. Allele origin: germline. Affected: yes.
Comment: Identified in a patient with a history of recurrent arrhythmias and incidental finding of fenestrated membrane overlying left atrial appendage (PMID: 33070394); this patient also harbored a pathogenic variant in the LMNA gene; In silico analysis supports that this missense variant has a deleterious effect on protein structure/function; This variant is associated with the following publications: (PMID: 33070394)

Ambry Genetics
Classification: Likely benign for Cardiovascular phenotype. Last evaluated: 2023-07-19. Review status: criteria provided, single submitter. Criteria: Ambry Variant Classification Scheme 2023. Collection method: clinical testing. Allele origin: germline.

Fulgent Genetics
Classification: Uncertain significance for Long QT syndrome 12. Last evaluated: 2021-08-23. Review status: criteria provided, single submitter. Criteria: ACMG Guidelines, 2015. Collection method: clinical testing. Allele origin: unknown.

Mayo Clinic Laboratories, Mayo Clinic
Classification: Uncertain significance. Last evaluated: 2019-10-14. Review status: criteria provided, single submitter. Criteria: ACMG Guidelines, 2015. Collection method: clinical testing. Allele origin: germline. Observed: 1 variant allele.

Eurofins Ntd Llc (ga)
Classification: Uncertain significance. Last evaluated: 2015-07-10. Review status: criteria provided, single submitter. Criteria: EGL Classification Definitions 2015. Collection method: clinical testing. Allele origin: germline. Observed: 1 variant allele, 1 heterozygote.

Literature cited by the submitters: PubMed 33070394 (cited by Women's Health and Genetics/Laboratory Corporation of America, LabCorp).

NM_003098.3(SNTA1):c.287G>C (p.Gly96Ala)

Genes: SNTA1 (syntrophin alpha 1; minus strand), LOC130065679 (ATAC-STARR-seq lymphoblastoid silent region 12811; plus strand). Cytogenetic location: 20q11.21.
Variant type: single nucleotide variant.
Coding change: c.287G>C on transcript NM_003098.3 (MANE Select); coding-DNA position 287, G replaced by C.
Protein change: p.Gly96Ala; replaces glycine 96 with alanine.
Molecular consequence: missense variant.
Genome position (GRCh38, 1-based): chr20:33,443,334, C>G on the plus strand (G>C on the coding strand, the complement: SNTA1 is on the minus strand). VCF-style: chr20-33443334-C-G. GRCh37 (hg19) VCF-style: chr20-32031140-C-G.
Other names: p.G96A:GGT>GCT; short protein forms G96A.
Identifiers: ClinVar variation 190907 (VCV000190907.26), dbSNP rs766925398, ClinGen allele CA302252.